The following is an entry in ClinVar:

NM_001122659.3(EDNRB):c.1195T>C (p.Ser399Pro)

Genes: EDNRB (endothelin receptor type B; minus strand), EDNRB-AS1 (EDNRB antisense RNA 1; plus strand). Cytogenetic location: 13q22.3.
Variant type: single nucleotide variant.
Coding change: c.1195T>C on transcript NM_001122659.3 (MANE Select); coding-DNA position 1195, T replaced by C.
Protein change: p.Ser399Pro; replaces serine 399 with proline.
Molecular consequence: missense variant. On other transcripts: intron variant (1).
Genome position (GRCh38, 1-based): chr13:77,898,334, A>G on the plus strand (T>C on the coding strand, the complement: EDNRB is on the minus strand). VCF-style: chr13-77898334-A-G. GRCh37 (hg19) VCF-style: chr13-78472469-A-G.
Other names: c.1195T>C, p.Ser399Pro (NM_000115.5); c.1465T>C, p.Ser489Pro (NM_001201397.2); c.1194+1525T>C (NM_003991.4); short protein forms S399P, S489P.
Identifiers: ClinVar variation 1307781 (VCV001307781.2), dbSNP rs750260325, ClinGen allele CA388450829.
Genomic context (GRCh38, chr13:77,898,334, plus strand): 5'-ACTGCTTTTCCTCCAAGGACTGTTTTTCTTCAAATGACTGGCACCAGCAGCATAAGCATG[A>G]CTGTACAAAACAAAGTAACTCATTATATGTTAACATCAGTCACCTTTCCCAACTCTTCCT-3'
Protein context (NP_001116131.1, residues 389-409): VSKRFKNCFK[Ser399Pro]CLCCWCQSFE

ClinVar aggregate classification (germline): Uncertain significance (1 of 4 stars; one submission).

Allele frequency attached by ClinVar (database versions not stated): TOPMed below 0.00001; gnomAD 0.00001.
gnomAD v4.1: 1 of 1,611,548 alleles (0.000062%); highest among the groups gnomAD compares: Non-Finnish European, 0.000085%; no homozygotes.

Submission:

GeneDx
Classification: Uncertain significance. Last evaluated: 2019-08-12. Review status: criteria provided, single submitter. Criteria: GeneDx Variant Classification Process June 2021. Collection method: clinical testing. Allele origin: germline. Affected: yes.
Comment: Not observed in large population cohorts (Lek et al., 2016); In silico analysis, which includes protein predictors and evolutionary conservation, supports a deleterious effect; Has not been previously published as pathogenic or benign to our knowledge